The following is an entry in ClinVar:

ClinVar aggregate classification (germline): Uncertain significance (1 of 4 stars; one submission).

Submission:

GeneDx
Classification: Uncertain significance. Last evaluated: 2023-11-04. Review status: criteria provided, single submitter. Criteria: GeneDx Variant Classification Process June 2021. Collection method: clinical testing. Allele origin: germline. Affected: yes.
Comment: Not observed at significant frequency in large population cohorts (gnomAD); In silico analysis supports that this missense variant does not alter protein structure/function; Has not been previously published as pathogenic or benign to our knowledge

NM_005045.4(RELN):c.9196G>A (p.Gly3066Ser)

Genes: RELN (reelin; minus strand), SLC26A5-AS1 (SLC26A5 antisense RNA 1; plus strand). Cytogenetic location: 7q22.1.
Variant type: single nucleotide variant.
Coding change: c.9196G>A on transcript NM_005045.4 (MANE Select); coding-DNA position 9196, G replaced by A.
Protein change: p.Gly3066Ser; replaces glycine 3066 with serine.
Molecular consequence: missense variant.
Genome position (GRCh38, 1-based): chr7:103,495,896, C>T on the plus strand (G>A on the coding strand, the complement: RELN is on the minus strand). VCF-style: chr7-103495896-C-T. GRCh37 (hg19) VCF-style: chr7-103136343-C-T.
Other names: c.9196G>A, p.Gly3066Ser (NM_173054.3); short protein forms G3066S.
Identifiers: ClinVar variation 3363618 (VCV003363618.1).